The following is an entry in ClinVar:

NM_000037.4(ANK1):c.1228G>T (p.Val410Leu)

Gene: ANK1 (ankyrin 1; minus strand). Cytogenetic location: 8p11.21.
Variant type: single nucleotide variant.
Coding change: c.1228G>T on transcript NM_000037.4 (MANE Select); coding-DNA position 1228, G replaced by T.
Protein change: p.Val410Leu; replaces valine 410 with leucine.
Molecular consequence: missense variant.
Genome position (GRCh38, 1-based): chr8:41,717,681, C>A on the plus strand (G>T on the coding strand, the complement: ANK1 is on the minus strand). VCF-style: chr8-41717681-C-A. GRCh37 (hg19) VCF-style: chr8-41575199-C-A.
Other names: p.Val410Leu; c.1327G>T, p.Val443Leu (NM_001142446.2); c.1228G>T, p.Val410Leu (NM_020475.3, NM_020476.3, NM_020477.3); short protein forms V410L, V443L.
Identifiers: ClinVar variation 3379814 (VCV003379814.1).

ClinVar aggregate classification (germline): Uncertain significance (1 of 4 stars; one submission).

Submission:

Mayo Clinic Laboratories, Mayo Clinic
Classification: Uncertain significance. Last evaluated: 2024-03-25. Review status: criteria provided, single submitter. Criteria: ACMG Guidelines, 2015. Collection method: clinical testing. Allele origin: germline. Observed: 1 variant allele.
Comment: PM2_moderate